The following is an entry in ClinVar:

NM_004371.4(COPA):c.2375C>T (p.Ala792Val)

Gene: COPA (coat protein complex I subunit alpha; minus strand). Cytogenetic location: 1q23.2.
Variant type: single nucleotide variant.
Coding change: c.2375C>T on transcript NM_004371.4 (MANE Select); coding-DNA position 2375, C replaced by T.
Protein change: p.Ala792Val; replaces alanine 792 with valine.
Molecular consequence: missense variant.
Genome position (GRCh38, 1-based): chr1:160,295,837, G>A on the plus strand (C>T on the coding strand, the complement: COPA is on the minus strand). VCF-style: chr1-160295837-G-A. GRCh37 (hg19) VCF-style: chr1-160265627-G-A.
Other names: c.2402C>T, p.Ala801Val (NM_001098398.2); short protein forms A792V, A801V.
Identifiers: ClinVar variation 2716908 (VCV002716908.3), dbSNP rs1314405901, ClinGen allele CA343276388.

ClinVar aggregate classification (germline): Uncertain significance (1 of 4 stars; one submission).

Conditions:
Autoimmune interstitial lung disease-arthritis syndrome. Also called: Autoinflammation and autoimmunity, systemic, with immune dysregulation. Identifiers: Orphanet 444092, MedGen C5975714, MONDO:0014629.

gnomAD v4.1: 9 of 1,611,710 alleles (0.00056%); highest among the groups gnomAD compares: Non-Finnish European, 0.00076%; no homozygotes.

Submission:

Labcorp Genetics (formerly Invitae), Labcorp
Classification: Uncertain significance for Autoimmune interstitial lung disease-arthritis syndrome. Last evaluated: 2023-06-15. Review status: criteria provided, single submitter. Criteria: Invitae Variant Classification Sherloc (09022015). Collection method: clinical testing. Allele origin: germline.
Comment: In summary, the available evidence is currently insufficient to determine the role of this variant in disease. Therefore, it has been classified as a Variant of Uncertain Significance. Advanced modeling of protein sequence and biophysical properties (such as structural, functional, and spatial information, amino acid conservation, physicochemical variation, residue mobility, and thermodynamic stability) performed at Invitae indicates that this missense variant is expected to disrupt COPA protein function. This variant has not been reported in the literature in individuals affected with COPA-related conditions. This variant is not present in population databases (gnomAD no frequency). This sequence change replaces alanine, which is neutral and non-polar, with valine, which is neutral and non-polar, at codon 792 of the COPA protein (p.Ala792Val).